The following is an entry in ClinVar:

ClinVar aggregate classification (germline): Uncertain significance (1 of 4 stars; one submission).

Conditions:
Immunodeficiency 51 (IMD51). Also called: CANDIDIASIS, FAMILIAL, 5. Identifiers: Orphanet 1334, MedGen C4310803, MONDO:0013500, OMIM 613953.

Allele frequency attached by ClinVar (database versions not stated): ExAC 0.00001; gnomAD exomes 0.00001.

Submission:

Labcorp Genetics (formerly Invitae), Labcorp
Classification: Uncertain significance for Immunodeficiency 51. Last evaluated: 2023-06-15. Review status: criteria provided, single submitter. Criteria: Invitae Variant Classification Sherloc (09022015). Collection method: clinical testing. Allele origin: germline.
Comment: This variant has not been reported in the literature in individuals affected with IL17RA-related conditions. In summary, the available evidence is currently insufficient to determine the role of this variant in disease. Therefore, it has been classified as a Variant of Uncertain Significance. This variant is present in population databases (rs748182855, gnomAD 0.002%). This sequence change creates a premature translational stop signal (p.Lys491Glnfs*20) in the IL17RA gene. While this is not anticipated to result in nonsense mediated decay, it is expected to disrupt the last 376 amino acid(s) of the IL17RA protein.

NM_014339.7(IL17RA):c.1470dup (p.Lys491fs)

Gene: IL17RA (interleukin 17 receptor A; plus strand). Cytogenetic location: 22q11.1.
Variant type: Duplication.
Coding change: c.1470dup on transcript NM_014339.7 (MANE Select); coding-DNA position 1470, one base duplicated (C; older notation c.1470dupC).
Protein change: p.Lys491fs; shifts the reading frame from lysine 491.
Molecular consequence: frameshift variant.
Genome position (GRCh38, 1-based): chr22:17,108,689, C duplicated. VCF-style (leftmost placement, unchanged base first): chr22-17108688-T-TC. GRCh37 (hg19) VCF-style: chr22-17589578-T-TC.
Other names: c.1368dup, p.Lys457fs (NM_001289905.2); short protein forms K457fs, K491fs.
Identifiers: ClinVar variation 2968226 (VCV002968226.3), dbSNP rs748182855, ClinGen allele CA10086762.